The following is an entry in ClinVar:

ClinVar aggregate classification (germline): Likely pathogenic (1 of 4 stars; one submission).

Conditions:
GP1BB-related disorder. Also called: GP1BB-related condition.

Submission:

PreventionGenetics, part of Exact Sciences
Classification: Likely pathogenic for GP1BB-related condition. Last evaluated: 2026-03-13. Review status: criteria provided, single submitter. Criteria: ACMG Guidelines, 2015. Collection method: clinical testing. Allele origin: germline.
Comment: The GP1BB c.3G>A variant is predicted to disrupt the translation initiation site (Start Loss). To our knowledge, this variant has not been reported in the literature or in a large population database (gnomAD), indicating this variant is rare. However, alternate nucleotide substitutions disrupting the GP1BB start codon (c.1A>T, c.3G>C) have been reported in the heterozygous state in individuals with macrothrombocytopenia (Figure 1 / Table S1, Sivapalaratnam et al. 2017. PubMed ID: 28064200; Patient 49 in Table 3 / 5, Bastida et al. 2018. PubMed ID: 28983057), and the c.1A>T variant has been classified as likely pathogenic by the ClinGen Platelet Disorders Variant Curation Expert Panel (Variation ID: 1691253). In light of the available evidence, the c.3G>A variant is also interpreted as likely pathogenic.

NM_000407.5(GP1BB):c.3G>A (p.Met1Ile)

Genes: GP1BB (glycoprotein Ib platelet subunit beta; plus strand), SEPT5-GP1BB (SEPT5-GP1BB readthrough; plus strand). Cytogenetic location: 22q11.21.
Variant type: single nucleotide variant.
Coding change: c.3G>A on transcript NM_000407.5 (MANE Select); coding-DNA position 3, G replaced by A.
Protein change: p.Met1Ile; changes the start codon (methionine 1).
Molecular consequence: missense variant, initiator codon variant. On other transcripts: non-coding transcript variant (2).
Genome position (GRCh38, 1-based): chr22:19,723,572, G>A. VCF-style: chr22-19723572-G-A. GRCh37 (hg19) VCF-style: chr22-19711095-G-A.
Other names: short protein forms M1I.
Identifiers: ClinVar variation 4993251 (VCV004993251.1).